The following is an entry in ClinVar:

NM_000203.5(IDUA):c.1716C>G (p.His572Gln)

Gene: IDUA (alpha-L-iduronidase; plus strand). Cytogenetic location: 4p16.3.
Variant type: single nucleotide variant.
Coding change: c.1716C>G on transcript NM_000203.5 (MANE Select); coding-DNA position 1716, C replaced by G.
Protein change: p.His572Gln; replaces histidine 572 with glutamine.
Molecular consequence: missense variant. On other transcripts: non-coding transcript variant (1).
Genome position (GRCh38, 1-based): chr4:1,003,614, C>G. VCF-style: chr4-1003614-C-G. GRCh37 (hg19) VCF-style: chr4-997402-C-G.
Other names: c.1320C>G, p.His440Gln (NM_001363576.1); short protein forms H440Q, H572Q.
Identifiers: ClinVar variation 1431214 (VCV001431214.7), dbSNP rs1253075699, ClinGen allele CA355965272.
Genomic context (GRCh38, chr4:1,003,614, plus strand): 5'-GCGGCTCCGCGCCCTGCCCCTGACCCAAGGGCAGCTGGTTCTGGTCTGGTCGGATGAACA[C>G]GTGGGCTCCAAGTGCGTGAGTGGGGCCGCCCCTCCCTCTGCCTGGTCCTAGGCAGGTCCC-3'
Protein context (NP_000194.2, residues 562-582): GQLVLVWSDE[His572Gln]VGSKCLWTYE

ClinVar aggregate classification (germline): Uncertain significance (1 of 4 stars; one submission).

Conditions:
Mucopolysaccharidosis type 1. Also called: IDUA deficiency; MPS I; Mucopolysaccharidosis Type I. Identifiers: Orphanet 579, MedGen C0023786, MONDO:0001586.

Allele frequency attached by ClinVar (database versions not stated): gnomAD exomes below 0.00001; gnomAD 0.00001; TOPMed 0.00001.
gnomAD v4.1: 3 of 1,612,322 alleles (0.00019%); highest among the groups gnomAD compares: Admixed American, 0.005%; no homozygotes.

Submission:

Labcorp Genetics (formerly Invitae), Labcorp
Classification: Uncertain significance for Mucopolysaccharidosis type 1. Last evaluated: 2024-12-16. Review status: criteria provided, single submitter. Criteria: Invitae Variant Classification Sherloc (09022015). Collection method: clinical testing. Allele origin: germline.
Comment: This sequence change replaces histidine, which is basic and polar, with glutamine, which is neutral and polar, at codon 572 of the IDUA protein (p.His572Gln). This variant is present in population databases (no rsID available, gnomAD 0.006%). This missense change has been observed in individual(s) with mucopolysaccharidosis type I (PMID: 30442156). ClinVar contains an entry for this variant (Variation ID: 1431214). Invitae Evidence Modeling of protein sequence and biophysical properties (such as structural, functional, and spatial information, amino acid conservation, physicochemical variation, residue mobility, and thermodynamic stability) indicates that this missense variant is not expected to disrupt IDUA protein function with a negative predictive value of 95%. Algorithms developed to predict the effect of sequence changes on RNA splicing suggest that this variant may disrupt the consensus splice site. In summary, the available evidence is currently insufficient to determine the role of this variant in disease. Therefore, it has been classified as a Variant of Uncertain Significance.

Literature cited by the submitters: PubMed 30442156.